The following is an entry in ClinVar:

ClinVar aggregate classification (germline): Benign/Likely benign. Review status: criteria provided, multiple submitters, no conflicts (2 of 4 stars). 3 submissions from 3 submitters: Benign (1); Likely benign (2). Last evaluated 2025-07-16.

Conditions:
Familial melanoma. Also called: Hereditary melanoma; Hereditary cutaneous melanoma. Identifiers: Orphanet 618, MedGen C1512419, MONDO:0018961.
Hereditary cancer-predisposing syndrome. Also called: Neoplastic Syndromes, Hereditary; Tumor predisposition; Hereditary Cancer Syndrome; Hereditary neoplastic syndrome. Identifiers: Orphanet 140162, MedGen C0027672, MeSH D009386, MONDO:0015356.
Melanoma, cutaneous malignant, susceptibility to, 3. Also called: Cutaneous malignant melanoma 3. Identifiers: Orphanet 618, MedGen C1836892, MONDO:0012183, OMIM 609048.

Allele frequency attached by ClinVar (database versions not stated): TOPMed below 0.00001.
gnomAD v4.1: 1 of 1,614,132 alleles (0.000062%); highest among the groups gnomAD compares: Non-Finnish European, 0.000085%; no homozygotes.

Submissions (3):

Labcorp Genetics (formerly Invitae), Labcorp
Classification: Likely benign for Familial melanoma. Last evaluated: 2025-07-16. Review status: criteria provided, single submitter. Criteria: Invitae Variant Classification Sherloc (09022015). Collection method: clinical testing. Allele origin: germline.

Myriad Genetics, Inc.
Classification: Benign for Melanoma, cutaneous malignant, susceptibility to, 3. Last evaluated: 2024-09-24. Review status: criteria provided, single submitter. Criteria: Myriad Autosomal Dominant, Autosomal Recessive and X-Linked Classification Criteria (2023). Collection method: clinical testing. Allele origin: unknown.
Comment: This variant is considered benign. This variant is a silent/synonymous amino acid change and it is not expected to impact splicing.

Ambry Genetics
Classification: Likely benign for Hereditary cancer-predisposing syndrome. Last evaluated: 2021-02-24. Review status: criteria provided, single submitter. Criteria: Ambry Variant Classification Scheme 2023. Collection method: clinical testing. Allele origin: germline.

NM_000075.4(CDK4):c.15A>C (p.Arg5=)

Gene: CDK4 (cyclin dependent kinase 4; minus strand). Cytogenetic location: 12q14.1.
Variant type: single nucleotide variant.
Coding change: c.15A>C on transcript NM_000075.4 (MANE Select); coding-DNA position 15, A replaced by C.
Protein change: p.Arg5=; no amino-acid change (arginine 5 retained).
Molecular consequence: synonymous variant.
Genome position (GRCh38, 1-based): chr12:57,751,703, T>G on the plus strand (A>C on the coding strand, the complement: CDK4 is on the minus strand). VCF-style: chr12-57751703-T-G. GRCh37 (hg19) VCF-style: chr12-58145486-T-G.
Identifiers: ClinVar variation 1776122 (VCV001776122.4), dbSNP rs778325523, ClinGen allele CA480404951.